The following is an entry in ClinVar:

NM_015937.6(PIGT):c.1711C>T (p.Arg571Cys)

Gene: PIGT (phosphatidylinositol glycan anchor biosynthesis class T; plus strand). Cytogenetic location: 20q13.12.
Variant type: single nucleotide variant.
Coding change: c.1711C>T on transcript NM_015937.6 (MANE Select); coding-DNA position 1711, C replaced by T.
Protein change: p.Arg571Cys; replaces arginine 571 with cysteine.
Molecular consequence: missense variant. On other transcripts: non-coding transcript variant (5).
Genome position (GRCh38, 1-based): chr20:45,425,800, C>T. VCF-style: chr20-45425800-C-T. GRCh37 (hg19) VCF-style: chr20-44054440-C-T.
Other names: c.1711C>T (NM_015937.4); c.1543C>T, p.Arg515Cys (NM_001184728.3); c.1510C>T, p.Arg504Cys (NM_001184729.3); c.1405C>T, p.Arg469Cys (NM_001184730.3); short protein forms R515C, R504C, R469C, R571C.
Identifiers: ClinVar variation 839867 (VCV000839867.11), dbSNP rs375221973, ClinGen allele CA9878367.

ClinVar aggregate classification (germline): Uncertain significance. Review status: criteria provided, multiple submitters, no conflicts (2 of 4 stars). 2 submissions from 2 submitters: Uncertain significance (2). Last evaluated 2025-04-25.

Conditions:
Multiple congenital anomalies-hypotonia-seizures syndrome 3 (MCAHS3). Also called: GLYCOSYLPHOSPHATIDYLINOSITOL BIOSYNTHESIS DEFECT 7. Identifiers: Orphanet 369837, MedGen C3809356, MONDO:0014165, OMIM 615398.
Inborn genetic diseases. Identifiers: MedGen C0950123, MeSH D030342.

Allele frequency attached by ClinVar (database versions not stated): gnomAD 0.00001; ExAC 0.00002; gnomAD exomes 0.00002 and 0.00003; TOPMed 0.00003; ESP Exome Variant Server 0.00008.
gnomAD v4.1: 41 of 1,613,696 alleles (0.0025%); highest among the groups gnomAD compares: Admixed American, 0.0033%; no homozygotes.

Submissions (2):

Ambry Genetics
Classification: Uncertain significance for Inborn genetic diseases. Last evaluated: 2025-04-25. Review status: criteria provided, single submitter. Criteria: Ambry Variant Classification Scheme 2023. Collection method: clinical testing. Allele origin: germline.

Labcorp Genetics (formerly Invitae), Labcorp
Classification: Uncertain significance for Multiple congenital anomalies-hypotonia-seizures syndrome 3. Last evaluated: 2022-08-16. Review status: criteria provided, single submitter. Criteria: Invitae Variant Classification Sherloc (09022015). Collection method: clinical testing. Allele origin: germline.
Comment: This sequence change replaces arginine, which is basic and polar, with cysteine, which is neutral and slightly polar, at codon 571 of the PIGT protein (p.Arg571Cys). This variant is present in population databases (rs375221973, gnomAD 0.007%). This variant has not been reported in the literature in individuals affected with PIGT-related conditions. ClinVar contains an entry for this variant (Variation ID: 839867). Algorithms developed to predict the effect of missense changes on protein structure and function are either unavailable or do not agree on the potential impact of this missense change (SIFT: "Deleterious"; PolyPhen-2: "Probably Damaging"; Align-GVGD: "Class C0"). Algorithms developed to predict the effect of sequence changes on RNA splicing suggest that this variant may create or strengthen a splice site. In summary, the available evidence is currently insufficient to determine the role of this variant in disease. Therefore, it has been classified as a Variant of Uncertain Significance.